The following is an entry in ClinVar:

ClinVar aggregate classification (germline): Uncertain significance (1 of 4 stars; one submission).

Submission:

CeGaT Center for Human Genetics Tuebingen
Classification: Uncertain significance. Last evaluated: 2023-01-01. Review status: criteria provided, single submitter. Criteria: CeGaT Center For Human Genetics Tuebingen Variant Classification Criteria Version 2. Collection method: clinical testing. Allele origin: germline. Affected: yes. Observed: 1 variant allele.
Comment: PCSK9: PM2

NM_174936.4(PCSK9):c.1004del (p.Thr335fs)

Gene: PCSK9 (proprotein convertase subtilisin/kexin type 9; plus strand). Cytogenetic location: 1p32.3.
Variant type: Deletion.
Coding change: c.1004del on transcript NM_174936.4 (MANE Select); coding-DNA position 1004, one base deleted (C; older notation c.1004delC).
Protein change: p.Thr335fs; shifts the reading frame from threonine 335.
Molecular consequence: frameshift variant. On other transcripts: non-coding transcript variant (7).
Genome position (GRCh38, 1-based): chr1:55,057,338, C deleted. VCF-style (leftmost placement, unchanged base first): chr1-55057337-AC-A. GRCh37 (hg19) VCF-style: chr1-55523010-AC-A.
Other names: c.1127del, p.Thr376fs (NM_001407240.1); c.1004del, p.Thr335fs (NM_001407241.1, NM_001407244.1, NM_001407247.1); c.1007del, p.Thr336fs (NM_001407242.1); c.947del, p.Thr316fs (NM_001407243.1); c.812del, p.Thr271fs (NM_001407245.1); c.629del, p.Thr210fs (NM_001407246.1); short protein forms T210fs, T271fs, T316fs, T335fs, T336fs, T376fs.
Identifiers: ClinVar variation 2638840 (VCV002638840.24), dbSNP rs2523254117, ClinGen allele CA2695198040.